The following is an entry in ClinVar:

NM_000890.5(KCNJ5):c.112G>A (p.Asp38Asn)

Gene: KCNJ5 (potassium inwardly rectifying channel subfamily J member 5; plus strand). Cytogenetic location: 11q24.3.
Variant type: single nucleotide variant.
Coding change: c.112G>A on transcript NM_000890.5 (MANE Select); coding-DNA position 112, G replaced by A.
Protein change: p.Asp38Asn; replaces aspartic acid 38 with asparagine.
Molecular consequence: missense variant.
Genome position (GRCh38, 1-based): chr11:128,911,385, G>A. VCF-style: chr11-128911385-G-A. GRCh37 (hg19) VCF-style: chr11-128781280-G-A.
Other names: c.112G>A, p.Asp38Asn (NM_001354169.2); short protein forms D38N.
Identifiers: ClinVar variation 1501228 (VCV001501228.6), dbSNP rs2135998525, ClinGen allele CA383245909.

ClinVar aggregate classification (germline): Uncertain significance (1 of 4 stars; one submission).

Conditions:
Long QT syndrome (LQTS). Identifiers: MedGen C0023976, MeSH D008133, MONDO:0002442. Disease mechanism: loss of function. Inheritance: Various modes of inheritance.

Submission:

Labcorp Genetics (formerly Invitae), Labcorp
Classification: Uncertain significance for Long QT syndrome. Last evaluated: 2021-11-26. Review status: criteria provided, single submitter. Criteria: Invitae Variant Classification Sherloc (09022015). Collection method: clinical testing. Allele origin: germline.
Comment: In summary, the available evidence is currently insufficient to determine the role of this variant in disease. Therefore, it has been classified as a Variant of Uncertain Significance. Advanced modeling of protein sequence and biophysical properties (such as structural, functional, and spatial information, amino acid conservation, physicochemical variation, residue mobility, and thermodynamic stability) performed at Invitae indicates that this missense variant is not expected to disrupt KCNJ5 protein function. This variant has not been reported in the literature in individuals affected with KCNJ5-related conditions. This variant is not present in population databases (gnomAD no frequency). This sequence change replaces aspartic acid, which is acidic and polar, with asparagine, which is neutral and polar, at codon 38 of the KCNJ5 protein (p.Asp38Asn).